The following is an entry in ClinVar:

NM_153247.4(SLC29A4):c.1487C>T (p.Thr496Met)

Gene: SLC29A4 (solute carrier family 29 member 4; plus strand). Cytogenetic location: 7p22.1.
Variant type: single nucleotide variant.
Coding change: c.1487C>T on transcript NM_153247.4 (MANE Select); coding-DNA position 1487, C replaced by T.
Protein change: p.Thr496Met; replaces threonine 496 with methionine.
Molecular consequence: missense variant.
Genome position (GRCh38, 1-based): chr7:5,302,833, C>T. VCF-style: chr7-5302833-C-T. GRCh37 (hg19) VCF-style: chr7-5342464-C-T.
Other names: c.1487C>T, p.Thr496Met (NM_001040661.3); c.1445C>T, p.Thr482Met (NM_001300847.3); short protein forms T482M, T496M.
Identifiers: ClinVar variation 3354338 (VCV003354338.1).

ClinVar aggregate classification (germline): Uncertain significance (0 of 4 stars; one submission).

Conditions:
SLC29A4-related disorder. Also called: SLC29A4-related condition.

gnomAD v4.1: 9 of 1,576,312 alleles (0.00057%); highest among the groups gnomAD compares: African/African-American, 0.004%; no homozygotes.

Submission:

PreventionGenetics, part of Exact Sciences
Classification: Uncertain significance for SLC29A4-related condition. Last evaluated: 2024-07-31. Review status: no assertion criteria provided. Collection method: clinical testing. Allele origin: germline.
Comment: The SLC29A4 c.1487C>T variant is predicted to result in the amino acid substitution p.Thr496Met. To our knowledge, this variant has not been reported in the literature or in a large population database, indicating this variant is rare. At this time, the clinical significance of this variant is uncertain due to the absence of conclusive functional and genetic evidence.